The following is an entry in ClinVar:

ClinVar aggregate classification (germline): Uncertain significance (1 of 4 stars; one submission).

Conditions:
D-2-hydroxyglutaric aciduria 2 (D2HGA2). Identifiers: Orphanet 79315, MedGen C3150909, MONDO:0013345, OMIM 613657.

Allele frequency attached by ClinVar (database versions not stated): gnomAD 0.00001; gnomAD exomes 0.00001; TOPMed 0.00001.
gnomAD v4.1: 13 of 1,614,016 alleles (0.00081%); highest among the groups gnomAD compares: Middle Eastern, 0.016%; no homozygotes.

Submission:

Labcorp Genetics (formerly Invitae), Labcorp
Classification: Uncertain significance for D-2-hydroxyglutaric aciduria 2. Last evaluated: 2024-11-11. Review status: criteria provided, single submitter. Criteria: Invitae Variant Classification Sherloc (09022015). Collection method: clinical testing. Allele origin: germline.
Comment: This sequence change replaces valine, which is neutral and non-polar, with methionine, which is neutral and non-polar, at codon 75 of the IDH2 protein (p.Val75Met). This variant is not present in population databases (gnomAD no frequency). This variant has not been reported in the literature in individuals affected with IDH2-related conditions. ClinVar contains an entry for this variant (Variation ID: 1382309). Invitae Evidence Modeling of protein sequence and biophysical properties (such as structural, functional, and spatial information, amino acid conservation, physicochemical variation, residue mobility, and thermodynamic stability) indicates that this missense variant is not expected to disrupt IDH2 protein function with a negative predictive value of 80%. In summary, the available evidence is currently insufficient to determine the role of this variant in disease. Therefore, it has been classified as a Variant of Uncertain Significance.

NM_002168.4(IDH2):c.223G>A (p.Val75Met)

Gene: IDH2 (isocitrate dehydrogenase (NADP(+)) 2; minus strand). Cytogenetic location: 15q26.1.
Variant type: single nucleotide variant.
Coding change: c.223G>A on transcript NM_002168.4 (MANE Select); coding-DNA position 223, G replaced by A.
Protein change: p.Val75Met; replaces valine 75 with methionine.
Molecular consequence: missense variant. On other transcripts: intron variant (1).
Genome position (GRCh38, 1-based): chr15:90,090,629, C>T on the plus strand (G>A on the coding strand, the complement: IDH2 is on the minus strand). VCF-style: chr15-90090629-C-T. GRCh37 (hg19) VCF-style: chr15-90633861-C-T.
Other names: c.67G>A, p.Val23Met (NM_001289910.1); c.-17-1882G>A (NM_001290114.2); short protein forms V23M, V75M.
Identifiers: ClinVar variation 1382309 (VCV001382309.6), dbSNP rs956543166, ClinGen allele CA274626635.